The following is an entry in ClinVar:

NM_000051.4(ATM):c.1808T>G (p.Phe603Cys)

Gene: ATM (ATM serine/threonine kinase; plus strand). Cytogenetic location: 11q22.3.
Variant type: single nucleotide variant.
Coding change: c.1808T>G on transcript NM_000051.4 (MANE Select); coding-DNA position 1808, T replaced by G.
Protein change: p.Phe603Cys; replaces phenylalanine 603 with cysteine.
Molecular consequence: missense variant.
Genome position (GRCh38, 1-based): chr11:108,252,822, T>G. VCF-style: chr11-108252822-T-G. GRCh37 (hg19) VCF-style: chr11-108123549-T-G.
Other names: c.1808T>G, p.Phe603Cys (NM_001351834.2); short protein forms F603C.
Identifiers: ClinVar variation 1382522 (VCV001382522.8), dbSNP rs2135352513, ClinGen allele CA382535703.
Genomic context (GRCh38, chr11:108,252,822, plus strand): 5'-TATTCTTTACATGGCTTTTGGTCTTCTAAGTGAAGCTTTTTGTTTTTCTTTGTAGTAATT[T>G]TCCTCATCTTGTACTGGAGAAAATTCTTGTGAGTCTCACTATGAAAAACTGTAAAGCTGC-3'
Protein context (NP_000042.3, residues 593-613): TEVPPILHSN[Phe603Cys]PHLVLEKILV

ClinVar aggregate classification (germline): Uncertain significance (1 of 4 stars; one submission).

Conditions:
Ataxia-telangiectasia syndrome (AT). Also called: Cerebello-oculocutaneous telangiectasia; Immunodeficiency with ataxia telangiectasia; LOUIS-BAR SYNDROME; ATAXIA-TELANGIECTASIA, COMPLEMENTATION GROUP A; ATAXIA-TELANGIECTASIA, FRESNO VARIANT; Ataxia-telangiectasia, complementation group D. Identifiers: Orphanet 100, MedGen C0004135, MONDO:0008840, OMIM 208900.

Submission:

Labcorp Genetics (formerly Invitae), Labcorp
Classification: Uncertain significance for Ataxia-telangiectasia syndrome. Last evaluated: 2021-03-27. Review status: criteria provided, single submitter. Criteria: Invitae Variant Classification Sherloc (09022015). Collection method: clinical testing. Allele origin: germline.
Comment: This sequence change replaces phenylalanine with cysteine at codon 603 of the ATM protein (p.Phe603Cys). The phenylalanine residue is moderately conserved and there is a large physicochemical difference between phenylalanine and cysteine. This variant is not present in population databases (ExAC no frequency). This variant has not been reported in the literature in individuals with ATM-related conditions. Advanced modeling of protein sequence and biophysical properties (such as structural, functional, and spatial information, amino acid conservation, physicochemical variation, residue mobility, and thermodynamic stability) performed at Invitae indicates that this missense variant is not expected to disrupt ATM protein function. In summary, the available evidence is currently insufficient to determine the role of this variant in disease. Therefore, it has been classified as a Variant of Uncertain Significance.